The following is an entry in ClinVar:

NM_003597.5(KLF11):c.876G>A (p.Val292=)

Gene: KLF11 (KLF transcription factor 11; plus strand). Cytogenetic location: 2p25.1.
Variant type: single nucleotide variant.
Coding change: c.876G>A on transcript NM_003597.5 (MANE Select); coding-DNA position 876, G replaced by A.
Protein change: p.Val292=; no amino-acid change (valine 292 retained).
Molecular consequence: synonymous variant.
Genome position (GRCh38, 1-based): chr2:10,048,213, G>A. VCF-style: chr2-10048213-G-A. GRCh37 (hg19) VCF-style: chr2-10188340-G-A.
Other names: c.876G>A (NM_003597.4); c.825G>A, p.Val275= (NM_001177716.2, NM_001177718.2).
Identifiers: ClinVar variation 2896781 (VCV002896781.6), dbSNP rs201595721, ClinGen allele CA1525626.

ClinVar aggregate classification (germline): Likely benign. Review status: criteria provided, multiple submitters, no conflicts (2 of 4 stars). 3 submissions from 3 submitters: Likely benign (2). 1 of the submissions does not count toward it. Last evaluated 2024-04-11.

Conditions:
KLF11-related disorder. Also called: KLF11-related condition.

Allele frequency attached by ClinVar (database versions not stated): ExAC 0.00002; gnomAD exomes 0.00002; gnomAD 0.00003; 1000 Genomes Project 30x 0.00016; 1000 Genomes Project 0.00020.
gnomAD v4.1: 38 of 1,614,176 alleles (0.0024%); highest among the groups gnomAD compares: Admixed American, 0.025%; no homozygotes.

Submissions (3):

Blueprint Genetics
Classification: Likely benign. Last evaluated: 2024-04-11. Review status: criteria provided, single submitter. Criteria: ACMG Guidelines, 2015. Collection method: clinical testing. Allele origin: germline.

Labcorp Genetics (formerly Invitae), Labcorp
Classification: Likely benign. Last evaluated: 2022-11-18. Review status: criteria provided, single submitter. Criteria: Invitae Variant Classification Sherloc (09022015). Collection method: clinical testing. Allele origin: germline.

PreventionGenetics, part of Exact Sciences
Classification: Likely benign for KLF11-related condition. Last evaluated: 2021-12-03. Review status: no assertion criteria provided. Collection method: clinical testing. Allele origin: germline. Not counted in ClinVar's aggregate classification.
Comment: This variant is classified as likely benign based on ACMG/AMP sequence variant interpretation guidelines (Richards et al. 2015 PMID: 25741868, with internal and published modifications).